The following is an entry in ClinVar:

NM_000303.3(PMM2):c.385G>C (p.Val129Leu)

Gene: PMM2 (phosphomannomutase 2; plus strand). Cytogenetic location: 16p13.2.
Variant type: single nucleotide variant.
Coding change: c.385G>C on transcript NM_000303.3 (MANE Select); coding-DNA position 385, G replaced by C.
Protein change: p.Val129Leu; replaces valine 129 with leucine.
Molecular consequence: missense variant.
Genome position (GRCh38, 1-based): chr16:8,811,116, G>C. VCF-style: chr16-8811116-G-C. GRCh37 (hg19) VCF-style: chr16-8904973-G-C.
Other names: c.385G>C (NM_000303.2); short protein forms V129L.
Identifiers: ClinVar variation 3339387 (VCV003339387.3).

ClinVar aggregate classification (germline): Pathogenic/Likely pathogenic. Review status: criteria provided, multiple submitters, no conflicts (2 of 4 stars). 3 submissions from 3 submitters: Pathogenic (1); Likely pathogenic (2). Last evaluated 2026-01-16.

Conditions:
PMM2-congenital disorder of glycosylation. Also called: PHOSPHOMANNOMUTASE 2 DEFICIENCY; CARBOHYDRATE-DEFICIENT GLYCOPROTEIN SYNDROME, TYPE Ia; Congenital disorder of glycosylation, type Ia; CDG Ia; JAEKEN SYNDROME; PMM2-CDG. Identifiers: Orphanet 79318, MedGen C0349653, MONDO:0008907, OMIM 212065.

Submissions (3):

Labcorp Genetics (formerly Invitae), Labcorp
Classification: Pathogenic for PMM2-congenital disorder of glycosylation. Last evaluated: 2026-01-16. Review status: criteria provided, single submitter. Criteria: Invitae Variant Classification Sherloc (09022015). Collection method: clinical testing. Allele origin: germline.
Comment: This sequence change replaces valine, which is neutral and non-polar, with leucine, which is neutral and non-polar, at codon 129 of the PMM2 protein (p.Val129Leu). This variant is not present in population databases (gnomAD no frequency). This missense change has been observed in individual(s) with congenital disorder of glycosylation type 1a (CDG1a) (PMID: 16941129). In at least one individual the data is consistent with being in trans (on the opposite chromosome) from a pathogenic variant. It has also been observed to segregate with disease in related individuals. ClinVar contains an entry for this variant (Variation ID: 3339387). Invitae Evidence Modeling of protein sequence and biophysical properties (such as structural, functional, and spatial information, amino acid conservation, physicochemical variation, residue mobility, and thermodynamic stability) indicates that this missense variant is expected to disrupt PMM2 protein function with a positive predictive value of 80%. This variant disrupts the p.Val129 amino acid residue in PMM2. Other variant(s) that disrupt this residue have been determined to be pathogenic (PMID: 9140401, 18629883, 18948042). This suggests that this residue is clinically significant, and that variants that disrupt this residue are likely to be disease-causing. For these reasons, this variant has been classified as Pathogenic.

Natera, Inc.
Classification: Likely pathogenic for Congenital disorder of glycosylation type 1a. Last evaluated: 2025-06-05. Review status: criteria provided, single submitter. Criteria: Natera Variant Classification Schema (03/2026). Collection method: clinical testing. Allele origin: germline.
Comment: The c.385G>C variant in PMM2 is a missense variant predicted to cause substitution of valine to leucine at amino acid 129. This variant is rare in the general population with a frequency below the threshold expected for the associated phenotype(s). Another variant at this same site results in an alteration predicted to cause a similar molecular effect has been observed in individual(s) with the associated phenotype. A different variant at the same position has been determined to be Pathogenic or Likely Pathogenic. Given the available evidence, this variant is classified as Likely Pathogenic.

Women's Health and Genetics/Laboratory Corporation of America, LabCorp
Classification: Likely pathogenic for PMM2-congenital disorder of glycosylation. Last evaluated: 2024-07-23. Review status: criteria provided, single submitter. Criteria: LabCorp Variant Classification Summary - May 2015. Collection method: clinical testing. Allele origin: germline.
Comment: Variant summary: PMM2 c.385G>C (p.Val129Leu) results in a conservative amino acid change in the encoded protein sequence. Three of five in-silico tools predict a benign effect of the variant on protein function. The variant was absent in 199802 control chromosomes. c.385G>C has been reported in the literature in compound heterozygous individuals affected with Congenital Disorder Of Glycosylation Type 1a (Wurm_2007). These data indicate that the variant may be associated with disease. A different variant affecting the same codon has been classified as pathogenic by our lab (c.385G>A, p.Val129Met), supporting the critical relevance of codon 129 to PMM2 protein function. To our knowledge, no experimental evidence demonstrating an impact on protein function has been reported. The following publication has been ascertained in the context of this evaluation (PMID: 16941129). ClinVar contains an entry for this variant (Variation ID: 1068915). Based on the evidence outlined above, the variant was classified as likely pathogenic.

Literature cited by the submitters: PubMed 16941129 (cited by Labcorp Genetics (formerly Invitae), Labcorp and Women's Health and Genetics/Laboratory Corporation of America, LabCorp); PubMed 9140401 (cited by Labcorp Genetics (formerly Invitae), Labcorp); PubMed 18629883 (cited by Labcorp Genetics (formerly Invitae), Labcorp); PubMed 18948042 (cited by Labcorp Genetics (formerly Invitae), Labcorp).